The following is an entry in ClinVar:

NM_001048166.1(STIL):c.2360G>C (p.Gly787Ala)

Gene: STIL (STIL centriolar assembly protein; minus strand). Cytogenetic location: 1p33.
Variant type: single nucleotide variant.
Coding change: c.2360G>C on transcript NM_001048166.1 (MANE Select); coding-DNA position 2360, G replaced by C.
Protein change: p.Gly787Ala; replaces glycine 787 with alanine.
Molecular consequence: missense variant.
Genome position (GRCh38, 1-based): chr1:47,272,099, C>G on the plus strand (G>C on the coding strand, the complement: STIL is on the minus strand). VCF-style: chr1-47272099-C-G. GRCh37 (hg19) VCF-style: chr1-47737771-C-G.
Other names: c.2360G>C, p.Gly787Ala (NM_001282936.1, NM_001282937.1, NM_003035.2); c.2219G>C, p.Gly740Ala (NM_001282938.1, NM_001282939.1, NM_001377417.1); short protein forms G740A, G787A.
Identifiers: ClinVar variation 2076723 (VCV002076723.1), dbSNP rs766209965, ClinGen allele CA842191.
Genomic context (GRCh38, chr1:47,272,099, plus strand): 5'-ACAATTTCCTTACAAATTAAAAAAAAACTGAAATTACCTGTGCTCACAGCAATGCTTACA[C>G]CTTTTCTCATGTGCAAGCCAGGGGAAGACTGTGCTTCCACAGAAACCAACTCCATTTGTC-3'
Protein context (NP_001041631.1, residues 777-797): QSSPGLHMRK[Gly787Ala]VSIAVSTGAS

ClinVar aggregate classification (germline): Uncertain significance (1 of 4 stars; one submission).

gnomAD v4.1: 58 of 1,614,022 alleles (0.0036%); highest among the groups gnomAD compares: Admixed American, 0.095%; no homozygotes.

Submission:

Labcorp Genetics (formerly Invitae), Labcorp
Classification: Uncertain significance. Last evaluated: 2022-08-08. Review status: criteria provided, single submitter. Criteria: Invitae Variant Classification Sherloc (09022015). Collection method: clinical testing. Allele origin: germline.
Comment: This sequence change replaces glycine, which is neutral and non-polar, with alanine, which is neutral and non-polar, at codon 787 of the STIL protein (p.Gly787Ala). This variant is present in population databases (rs766209965, gnomAD 0.2%). This variant has not been reported in the literature in individuals affected with STIL-related conditions. Algorithms developed to predict the effect of missense changes on protein structure and function (SIFT, PolyPhen-2, Align-GVGD) all suggest that this variant is likely to be tolerated. In summary, the available evidence is currently insufficient to determine the role of this variant in disease. Therefore, it has been classified as a Variant of Uncertain Significance.